The following is an entry in ClinVar:

ClinVar aggregate classification (germline): Conflicting classifications of pathogenicity. Review status: criteria provided, conflicting classifications (1 of 4 stars). 3 submissions from 3 submitters: Uncertain significance (2); Likely benign (1). Last evaluated 2025-06-27.

Conditions:
Cardiovascular phenotype. Identifiers: MedGen CN230736.
Osteogenesis imperfecta type I (OI1). Also called: Lobstein disease; OI, TYPE I; OSTEOGENESIS IMPERFECTA TARDA; OSTEOGENESIS IMPERFECTA WITH BLUE SCLERAE; Osteogenesis imperfecta type 1; Lobstein's Disease. Identifiers: Orphanet 216796, Orphanet 666, MedGen C0023931, MONDO:0008146, OMIM 166200. Disease mechanism: loss of function.

Allele frequency attached by ClinVar (database versions not stated): gnomAD exomes 0.00002 and 0.00003; TOPMed 0.00002; ExAC 0.00003.
gnomAD v4.1: 44 of 1,614,126 alleles (0.0027%); highest among the groups gnomAD compares: Non-Finnish European, 0.0036%; no homozygotes.

Submissions (3):

Ambry Genetics
Classification: Uncertain significance for Cardiovascular phenotype. Last evaluated: 2025-06-27. Review status: criteria provided, single submitter. Criteria: Ambry Variant Classification Scheme 2023. Collection method: clinical testing. Allele origin: germline.
Comment: The p.P565L variant (also known as c.1694C>T), located in coding exon 25 of the COL1A1 gene, results from a C to T substitution at nucleotide position 1694. The proline at codon 565 is replaced by leucine, an amino acid with similar properties. This amino acid position is well conserved in available vertebrate species. In addition, the in silico prediction for this alteration is inconclusive. Based on the available evidence, the clinical significance of this variant remains unclear.

Labcorp Genetics (formerly Invitae), Labcorp
Classification: Likely benign for Osteogenesis imperfecta type I. Last evaluated: 2025-05-01. Review status: criteria provided, single submitter. Criteria: Invitae Variant Classification Sherloc (09022015). Collection method: clinical testing. Allele origin: germline.

GeneDx
Classification: Uncertain significance. Last evaluated: 2021-02-17. Review status: criteria provided, single submitter. Criteria: GeneDx Variant Classification Process June 2021. Collection method: clinical testing. Allele origin: germline. Affected: yes.
Comment: Not observed at a significant frequency in large population cohorts (Lek et al., 2016); In silico analysis supports that this missense variant has a deleterious effect on protein structure/function; Has not been previously published as pathogenic or benign to our knowledge; Occurs in the triple helical domain at the Y position in the canonical Gly-X-Y repeat; although this variant may have an effect on normal protein folding and function, missense substitution at the Y position is not a common mechanism of disease (Stenson et al., 2014)

NM_000088.4(COL1A1):c.1694C>T (p.Pro565Leu)

Gene: COL1A1 (collagen type I alpha 1 chain; minus strand). Cytogenetic location: 17q21.33.
Variant type: single nucleotide variant.
Coding change: c.1694C>T on transcript NM_000088.4 (MANE Select); coding-DNA position 1694, C replaced by T.
Protein change: p.Pro565Leu; replaces proline 565 with leucine.
Molecular consequence: missense variant.
Genome position (GRCh38, 1-based): chr17:50,194,016, G>A on the plus strand (C>T on the coding strand, the complement: COL1A1 is on the minus strand). VCF-style: chr17-50194016-G-A. GRCh37 (hg19) VCF-style: chr17-48271377-G-A.
Other names: short protein forms P565L.
Identifiers: ClinVar variation 1197873 (VCV001197873.11), dbSNP rs764989002, ClinGen allele CA8645133.
Genomic context (GRCh38, chr17:50,194,016, plus strand): 5'-GGTCCAGGGAATCCCATCACACCAGCCTGACCACGGGCACCAGGTGGGCCTGGGGGTCCG[G>A]GGCGACCATCTTGACCGGCGGGACCCTAAGGATGGGAGGCACGAAAGCAGCAGTGAGGAC-3'
Protein context (NP_000079.2, residues 555-575): PPGPAGQDGR[Pro565Leu]GPPGPPGARG